The following is an entry in ClinVar:

ClinVar aggregate classification (germline): Uncertain significance (1 of 4 stars; one submission).

gnomAD v4.1: 13 of 1,372,070 alleles (0.00095%); highest among the groups gnomAD compares: Non-Finnish European, 0.0013%; no homozygotes.

Submission:

Women's Health and Genetics/Laboratory Corporation of America, LabCorp
Classification: Uncertain significance. Last evaluated: 2025-03-25. Review status: criteria provided, single submitter. Criteria: LabCorp Variant Classification Summary - May 2015. Collection method: clinical testing. Allele origin: germline.
Comment: Variant summary: ACAT1 c.985C>A (p.Pro329Thr) results in a non-conservative amino acid change in the encoded protein sequence. Five of five in-silico tools predict a damaging effect of the variant on protein function. The variant was absent in 251368 control chromosomes. The available data on variant occurrences in the general population are insufficient to allow any conclusion about variant significance. To our knowledge, no occurrence of c.985C>A in individuals affected with Alpha-Methylacetoacetic Aciduria and no experimental evidence demonstrating its impact on protein function have been reported. No submitters have cited clinical-significance assessments for this variant to ClinVar. Based on the evidence outlined above, the variant was classified as uncertain significance.

NM_000019.4(ACAT1):c.985C>A (p.Pro329Thr)

Gene: ACAT1 (acetyl-CoA acetyltransferase 1; plus strand). Cytogenetic location: 11q22.3.
Variant type: single nucleotide variant.
Coding change: c.985C>A on transcript NM_000019.4 (MANE Select); coding-DNA position 985, C replaced by A.
Protein change: p.Pro329Thr; replaces proline 329 with threonine.
Molecular consequence: missense variant. On other transcripts: non-coding transcript variant (1).
Genome position (GRCh38, 1-based): chr11:108,144,027, C>A. VCF-style: chr11-108144027-C-A. GRCh37 (hg19) VCF-style: chr11-108014754-C-A.
Other names: c.985C>A, p.Pro329Thr (NM_001386677.1); c.670C>A, p.Pro224Thr (NM_001386678.1); c.688C>A, p.Pro230Thr (NM_001386679.1); c.715C>A, p.Pro239Thr (NM_001386681.1, NM_001386682.1, NM_001386685.1 and 6 more transcripts); short protein forms P224T, P230T, P239T, P329T.
Identifiers: ClinVar variation 3895953 (VCV003895953.1).